The following is an entry in ClinVar:

NM_030665.4(RAI1):c.242_260dup (p.Leu91fs)

Gene: RAI1 (retinoic acid induced 1; plus strand). Cytogenetic location: 17p11.2.
Variant type: Duplication.
Coding change: c.242_260dup on transcript NM_030665.4 (MANE Select); coding-DNA positions 242 to 260, 19 bases duplicated (GCAGCAAGGCCCTGCCCAC).
Protein change: p.Leu91fs; shifts the reading frame from leucine 91.
Molecular consequence: frameshift variant.
Genome position (GRCh38, 1-based): chr17:17,793,190-17,793,208, GCAGCAAGGCCCTGCCCAC duplicated. VCF-style (leftmost placement, unchanged base first): chr17-17793189-G-GGCAGCAAGGCCCTGCCCAC. GRCh37 (hg19) VCF-style: chr17-17696503-G-GGCAGCAAGGCCCTGCCCAC.
Other names: short protein forms L91fs.
Identifiers: ClinVar variation 4685483 (VCV004685483.1).

ClinVar aggregate classification (germline): Pathogenic (1 of 4 stars; one submission).

Conditions:
Smith-Magenis syndrome (SMS). Also called: CHROMOSOME 17p11.2 DELETION SYNDROME. Identifiers: Orphanet 819, MedGen C0795864, MONDO:0008434, OMIM 182290.

Submission:

Imagene.me medical diagnostic laboratory, IMAGENE.ME SA
Classification: Pathogenic for Smith-Magenis syndrome. Review status: criteria provided, single submitter. Criteria: IMAGENE.ME Variant Classification SOP 2022. Collection method: clinical testing. Allele origin: de novo. Affected: yes.
Comment: Classified according to the IMAGENE.ME variant classification SOP based on the ACMG guidelines as Pathogenic (P): PVS1 + PS2_Moderate + PM2_Supporting